The following is an entry in ClinVar:

ClinVar aggregate classification (germline): Uncertain significance (1 of 4 stars; one submission).

Conditions:
DLX3-related disorder. Also called: DLX3-related condition.

Submission:

PreventionGenetics, part of Exact Sciences
Classification: Uncertain significance for DLX3-related condition. Last evaluated: 2025-01-24. Review status: criteria provided, single submitter. Criteria: ACMG Guidelines, 2015. Collection method: clinical testing. Allele origin: germline.
Comment: The DLX3 c.537C>G variant is predicted to result in the amino acid substitution p.Asn179Lys. To our knowledge, this variant has not been reported in the literature or in a large population database, indicating this variant is rare. A different nucleotide change resulting in the same missense substitution (c.537C>A; p.Asn179Lys) has been reported in the heterozygous state in an individual with hypoplastic amelogenesis imperfecta with taurodontism (individual 16.2 in Bloch-Zupan et al. 2023. PubMed ID: 37228816). To our knowledge, this variant has not been reported in the literature or in a large population database, indicating this variant is rare. Although we suspect this variant may be pathogenic, at this time the clinical significance is uncertain due to the absence of conclusive functional and genetic evidence.

NM_005220.3(DLX3):c.537C>G (p.Asn179Lys)

Gene: DLX3 (distal-less homeobox 3; minus strand). Cytogenetic location: 17q21.33.
Variant type: single nucleotide variant.
Coding change: c.537C>G on transcript NM_005220.3 (MANE Select); coding-DNA position 537, C replaced by G.
Protein change: p.Asn179Lys; replaces asparagine 179 with lysine.
Molecular consequence: missense variant.
Genome position (GRCh38, 1-based): chr17:49,991,844, G>C on the plus strand (C>G on the coding strand, the complement: DLX3 is on the minus strand). VCF-style: chr17-49991844-G-C. GRCh37 (hg19) VCF-style: chr17-48069208-G-C.
Other names: short protein forms N179K.
Identifiers: ClinVar variation 3347813 (VCV003347813.2).